The following is an entry in ClinVar:

NC_000009.12:g.(?_127824284)_(127829847_?)del

Gene: ENG (endoglin; minus strand). Cytogenetic location: 9q34.11.
Variant type: Deletion.
Identifiers: ClinVar variation 584014 (VCV000584014.2).

ClinVar aggregate classification (germline): Likely pathogenic. Review status: criteria provided, single submitter (1 of 4 stars). 2 submissions from 1 submitter: Likely pathogenic (2). Last evaluated 2018-02-02.

Conditions:
Hereditary hemorrhagic telangiectasia (HHT). Also called: ORW DISEASE; Osler Weber Rendu syndrome; OSLER-RENDU-WEBER DISEASE; Osler hemorrhagic telangiectasia syndrome. Identifiers: Orphanet 774, MedGen C0039445, MONDO:0019180. Disease mechanism: loss of function.
Telangiectasia, hereditary hemorrhagic, type 1 (HHT1). Also called: Osler Weber Rendu syndrome type 1; ENG-Related Hereditary Hemorrhagic Telangiectasia. Identifiers: Orphanet 774, MedGen C4551861, MONDO:0008535, OMIM 187300. Disease mechanism: loss of function.

Submissions (2):

Labcorp Genetics (formerly Invitae), Labcorp
Classification: Likely pathogenic for Osler hemorrhagic telangiectasia syndrome. Last evaluated: 2018-02-02. Review status: criteria provided, single submitter. Criteria: Invitae Variant Classification Sherloc (09022015). Collection method: clinical testing. Allele origin: germline.
Comment: This variant is an in-frame deletion of the genomic region encompassing exons 3-8 of the ENG gene. It preserves the integrity of the reading frame. A similar variant has been reported in an individual affected with probable hereditary hemorrhagic telangiectasia (PMID: 21158752). This variant is also known as c.220-?_1135+? in the literature. Experimental studies and prediction algorithms are not available for this variant, and the functional significance of the deleted amino acids is currently unknown. Several missense substitutions in the deleted region (p.Trp149Cys, p.Leu221Pro and p.Gly331Ser) have been determined to be pathogenic (PMID: 9554745, 16690726, 10545596, 10749981, 22991266, 15880681, 15517393, 16690726, 19767588). This suggests that the deleted region is critical for ENG protein function and therefore it may also be pathogenic. In summary, the currently available evidence indicates that the variant is pathogenic, but additional data are needed to prove that conclusively. Therefore, this variant has been classified as Likely Pathogenic.

Labcorp Genetics (formerly Invitae), Labcorp
Classification: Likely pathogenic for Hereditary hemorrhagic telangiectasia. Last evaluated: 2018-01-14. Review status: criteria provided, single submitter. Criteria: Invitae Variant Classification Sherloc (09022015). Collection method: clinical testing. Allele origin: germline.
Comment: This variant is an in-frame deletion of the genomic region encompassing exons 3-8 of the ENG gene. It preserves the integrity of the reading frame. A similar variant has been reported in an individual affected with probable hereditary hemorrhagic telangiectasia (PMID: 21158752). This variant is also known as c.220-?_1135+? in the literature. Several missense substitutions in the deleted region (p.Trp149Cys, p.Leu221Pro and p.Gly331Ser) have been determined to be pathogenic (PMID: 9554745, 16690726, 10545596, 10749981, 22991266, 15880681, 15517393, 16690726, 19767588). This suggests that the deleted region is critical for ENG protein function and therefore it may also be pathogenic. Experimental studies and prediction algorithms are not available for this variant, and the functional significance of the deleted amino acids is currently unknown. ,In summary, the currently available evidence indicates that the variant is pathogenic, but additional data are needed to prove that conclusively. Therefore, this variant has been classified as Likely Pathogenic.

Literature cited by the submitters: PubMed 15880681; PubMed 22991266; PubMed 15517393; PubMed 21158752; PubMed 16690726; PubMed 10545596; PubMed 10749981; PubMed 9554745; PubMed 19767588.